The following is an entry in ClinVar:

NM_014141.6(CNTNAP2):c.3661C>G (p.Leu1221Val)

Gene: CNTNAP2 (contactin associated protein 2; plus strand). Cytogenetic location: 7q36.1.
Variant type: single nucleotide variant.
Coding change: c.3661C>G on transcript NM_014141.6 (MANE Select); coding-DNA position 3661, C replaced by G.
Protein change: p.Leu1221Val; replaces leucine 1221 with valine.
Molecular consequence: missense variant.
Genome position (GRCh38, 1-based): chr7:148,383,834, C>G. VCF-style: chr7-148383834-C-G. GRCh37 (hg19) VCF-style: chr7-148080926-C-G.
Other names: short protein forms L1221V.
Identifiers: ClinVar variation 420507 (VCV000420507.8), dbSNP rs765217559, ClinGen allele CA4546721.

ClinVar aggregate classification (germline): Uncertain significance. Review status: criteria provided, multiple submitters, no conflicts (2 of 4 stars). 2 submissions from 2 submitters: Uncertain significance (2). Last evaluated 2022-08-09.

Conditions:
Cortical dysplasia-focal epilepsy syndrome (PTHSL1). Also called: Pitt-Hopkins-like syndrome 1. Identifiers: Orphanet 163681, Orphanet 221150, MedGen C2750246, MONDO:0012400, OMIM 610042.

Allele frequency attached by ClinVar (database versions not stated): gnomAD 0.00001; gnomAD exomes 0.00002 and 0.00004; TOPMed 0.00002; ExAC 0.00003.
gnomAD v4.1: 57 of 1,613,976 alleles (0.0035%); highest among the groups gnomAD compares: Non-Finnish European, 0.0047%; no homozygotes.

Submissions (2):

Labcorp Genetics (formerly Invitae), Labcorp
Classification: Uncertain significance for Cortical dysplasia-focal epilepsy syndrome. Last evaluated: 2022-08-09. Review status: criteria provided, single submitter. Criteria: Invitae Variant Classification Sherloc (09022015). Collection method: clinical testing. Allele origin: germline.
Comment: This sequence change replaces leucine, which is neutral and non-polar, with valine, which is neutral and non-polar, at codon 1221 of the CNTNAP2 protein (p.Leu1221Val). This variant is present in population databases (rs765217559, gnomAD 0.004%). This variant has not been reported in the literature in individuals affected with CNTNAP2-related conditions. ClinVar contains an entry for this variant (Variation ID: 420507). Algorithms developed to predict the effect of missense changes on protein structure and function (SIFT, PolyPhen-2, Align-GVGD) all suggest that this variant is likely to be tolerated. In summary, the available evidence is currently insufficient to determine the role of this variant in disease. Therefore, it has been classified as a Variant of Uncertain Significance.

GeneDx
Classification: Uncertain significance. Last evaluated: 2022-05-09. Review status: criteria provided, single submitter. Criteria: GeneDx Variant Classification Process June 2021. Collection method: clinical testing. Allele origin: germline. Affected: yes.
Comment: In silico analysis supports that this missense variant does not alter protein structure/function; Has not been previously published as pathogenic or benign to our knowledge